The following is an entry in ClinVar:

ClinVar aggregate classification (germline): Uncertain significance (1 of 4 stars; one submission).

Submission:

Labcorp Genetics (formerly Invitae), Labcorp
Classification: Uncertain significance. Last evaluated: 2023-11-19. Review status: criteria provided, single submitter. Criteria: Invitae Variant Classification Sherloc (09022015). Collection method: clinical testing. Allele origin: germline.
Comment: This sequence change replaces glutamine, which is neutral and polar, with glutamic acid, which is acidic and polar, at codon 1187 of the KMT2A protein (p.Gln1187Glu). This variant is not present in population databases (gnomAD no frequency). This variant has not been reported in the literature in individuals affected with KMT2A-related conditions. Advanced modeling of protein sequence and biophysical properties (such as structural, functional, and spatial information, amino acid conservation, physicochemical variation, residue mobility, and thermodynamic stability) has been performed at Invitae for this missense variant, however the output from this modeling did not meet the statistical confidence thresholds required to predict the impact of this variant on KMT2A protein function. In summary, the available evidence is currently insufficient to determine the role of this variant in disease. Therefore, it has been classified as a Variant of Uncertain Significance.

NM_001197104.2(KMT2A):c.3559C>G (p.Gln1187Glu)

Gene: KMT2A (lysine methyltransferase 2A; plus strand). Cytogenetic location: 11q23.3.
Variant type: single nucleotide variant.
Coding change: c.3559C>G on transcript NM_001197104.2 (MANE Select); coding-DNA position 3559, C replaced by G.
Protein change: p.Gln1187Glu; replaces glutamine 1187 with glutamic acid.
Molecular consequence: missense variant.
Genome position (GRCh38, 1-based): chr11:118,478,191, C>G. VCF-style: chr11-118478191-C-G. GRCh37 (hg19) VCF-style: chr11-118348906-C-G.
Other names: c.3658C>G, p.Gln1220Glu (NM_001412597.1); c.3559C>G, p.Gln1187Glu (NM_005933.4); short protein forms Q1187E, Q1220E.
Identifiers: ClinVar variation 2693070 (VCV002693070.3), dbSNP rs2134287624, ClinGen allele CA382825229.
Genomic context (GRCh38, chr11:118,478,191, plus strand): 5'-TGTGGTGTTTGTACTAATTGCTTAGATAAGCCCAAGTTTGGTGGTCGCAATATAAAGAAG[C>G]AGTGCTGCAAGTAAGTGGGTGTTTCACTCTGAGATGTTGACCTCTCAACCATAAAGGTTG-3'
Protein context (NP_001184033.1, residues 1177-1197): PKFGGRNIKK[Gln1187Glu]CCKMRKCQNL